The following is an entry in ClinVar:

ClinVar aggregate classification (germline): Conflicting classifications of pathogenicity. Review status: criteria provided, conflicting classifications (1 of 4 stars). 2 submissions from 2 submitters: Uncertain significance (1); Likely benign (1). Last evaluated 2023-12-24.

Conditions:
Colorectal cancer, hereditary nonpolyposis, type 7. Identifiers: Orphanet 144, MedGen C1858380, MONDO:0013725, OMIM 614385.

Allele frequency attached by ClinVar (database versions not stated): ExAC 0.00002; gnomAD exomes 0.00002 and 0.00001; gnomAD 0.00001; TOPMed 0.00001.

Submissions (2):

Labcorp Genetics (formerly Invitae), Labcorp
Classification: Uncertain significance for Colorectal cancer, hereditary nonpolyposis, type 7. Last evaluated: 2023-12-24. Review status: criteria provided, single submitter. Criteria: Invitae Variant Classification Sherloc (09022015). Collection method: clinical testing. Allele origin: germline.
Comment: This sequence change replaces arginine, which is basic and polar, with threonine, which is neutral and polar, at codon 1440 of the MLH3 protein (p.Arg1440Thr). This variant is present in population databases (rs763372977, gnomAD 0.004%). This variant has not been reported in the literature in individuals affected with MLH3-related conditions. ClinVar contains an entry for this variant (Variation ID: 1509444). Algorithms developed to predict the effect of missense changes on protein structure and function output the following: SIFT: "Not Available"; PolyPhen-2: "Benign"; Align-GVGD: "Not Available". The threonine amino acid residue is found in multiple mammalian species, which suggests that this missense change does not adversely affect protein function. In summary, the available evidence is currently insufficient to determine the role of this variant in disease. Therefore, it has been classified as a Variant of Uncertain Significance.

Ambry Genetics
Classification: Likely benign. Last evaluated: 2022-09-27. Review status: criteria provided, single submitter. Criteria: Ambry Variant Classification Scheme 2023. Collection method: clinical testing. Allele origin: germline.

NM_001040108.2(MLH3):c.4319G>C (p.Arg1440Thr)

Gene: MLH3 (mutL homolog 3; minus strand). Cytogenetic location: 14q24.3.
Variant type: single nucleotide variant.
Coding change: c.4319G>C on transcript NM_001040108.2 (MANE Select); coding-DNA position 4319, G replaced by C.
Protein change: p.Arg1440Thr; replaces arginine 1440 with threonine.
Molecular consequence: missense variant.
Genome position (GRCh38, 1-based): chr14:75,017,125, C>G on the plus strand (G>C on the coding strand, the complement: MLH3 is on the minus strand). VCF-style: chr14-75017125-C-G. GRCh37 (hg19) VCF-style: chr14-75483828-C-G.
Other names: c.4247G>C, p.Arg1416Thr (NM_014381.3); short protein forms R1440T, R1416T.
Identifiers: ClinVar variation 1509444 (VCV001509444.8), dbSNP rs763372977, ClinGen allele CA7275159.